The following is an entry in ClinVar:

NM_177438.3(DICER1):c.4964C>T (p.Ala1655Val)

Gene: DICER1 (dicer 1, ribonuclease III; minus strand). Cytogenetic location: 14q32.13.
Variant type: single nucleotide variant.
Coding change: c.4964C>T on transcript NM_177438.3 (MANE Select); coding-DNA position 4964, C replaced by T.
Protein change: p.Ala1655Val; replaces alanine 1655 with valine.
Molecular consequence: missense variant. On other transcripts: non-coding transcript variant (6).
Genome position (GRCh38, 1-based): chr14:95,095,956, G>A on the plus strand (C>T on the coding strand, the complement: DICER1 is on the minus strand). VCF-style: chr14-95095956-G-A. GRCh37 (hg19) VCF-style: chr14-95562293-G-A.
Other names: c.4964C>T, p.Ala1655Val (NM_001195573.1, NM_001271282.3, NM_001291628.2 and 13 more transcripts); c.4682C>T, p.Ala1561Val (NM_001395686.1); c.4559C>T, p.Ala1520Val (NM_001395687.1, NM_001395688.1, NM_001395689.1 and 2 more transcripts); c.4397C>T, p.Ala1466Val (NM_001395691.1); c.3281C>T, p.Ala1094Val (NM_001395697.1); short protein forms A1655V, A1094V, A1466V, A1520V, A1561V.
Identifiers: ClinVar variation 2833391 (VCV002833391.3), dbSNP rs2139839623, ClinGen allele CA390866209.
Genomic context (GRCh38, chr14:95,095,956, plus strand): 5'-TAGTTGATTTTCTTTTCAAAATTTTCAAACCCCGATATAAGGTGATTCAGTGTTTTATCT[G>A]CATCTGGATGATCAAACATACATCTTGGTGGAATCTTCAAACAACCATATTCCGAGTCTT-3'
Protein context (NP_803187.1, residues 1645-1665): PPRCMFDHPD[Ala1655Val]DKTLNHLISG

ClinVar aggregate classification (germline): Uncertain significance (1 of 4 stars; one submission).

Conditions:
DICER1-related tumor predisposition. Also called: DICER1-related pleuropulmonary blastoma cancer predisposition syndrome; DICER1 syndrome. Identifiers: Orphanet 284343, MedGen C3839822, MONDO:0100216.

Submission:

Labcorp Genetics (formerly Invitae), Labcorp
Classification: Uncertain significance for DICER1-related tumor predisposition. Last evaluated: 2024-04-05. Review status: criteria provided, single submitter. Criteria: Invitae Variant Classification Sherloc (09022015). Collection method: clinical testing. Allele origin: germline.
Comment: This sequence change replaces alanine, which is neutral and non-polar, with valine, which is neutral and non-polar, at codon 1655 of the DICER1 protein (p.Ala1655Val). This variant is not present in population databases (gnomAD no frequency). This variant has not been reported in the literature in individuals affected with DICER1-related conditions. An algorithm developed to predict the effect of missense changes on protein structure and function (PolyPhen-2) suggests that this variant is likely to be disruptive. In summary, the available evidence is currently insufficient to determine the role of this variant in disease. Therefore, it has been classified as a Variant of Uncertain Significance.